The following is an entry in ClinVar:

NM_000136.3(FANCC):c.1540C>T (p.His514Tyr)

Genes: AOPEP (aminopeptidase O (putative); plus strand), FANCC (FA complementation group C; minus strand). Cytogenetic location: 9q22.32.
Variant type: single nucleotide variant.
Coding change: c.1540C>T on transcript NM_000136.3 (MANE Select); coding-DNA position 1540, C replaced by T.
Protein change: p.His514Tyr; replaces histidine 514 with tyrosine.
Molecular consequence: missense variant.
Genome position (GRCh38, 1-based): chr9:95,101,844, G>A on the plus strand (C>T on the coding strand, the complement: FANCC is on the minus strand). VCF-style: chr9-95101844-G-A. GRCh37 (hg19) VCF-style: chr9-97864126-G-A.
Other names: c.1540C>T, p.His514Tyr (NM_001243743.2); short protein forms H514Y.
Identifiers: ClinVar variation 819505 (VCV000819505.8), dbSNP rs749319183, ClinGen allele CA5137300.

ClinVar aggregate classification (germline): Uncertain significance. Review status: criteria provided, multiple submitters, no conflicts (2 of 4 stars). 4 submissions from 4 submitters: Uncertain significance (3). 1 of the submissions does not count toward it. Last evaluated 2025-10-22.

Conditions:
Hereditary cancer-predisposing syndrome. Also called: Neoplastic Syndromes, Hereditary; Hereditary Cancer Syndrome; Tumor predisposition; Hereditary neoplastic syndrome. Identifiers: Orphanet 140162, MedGen C0027672, MeSH D009386, MONDO:0015356.
Fanconi anemia (FA). Also called: Fanconi's anemia. Identifiers: Orphanet 84, MedGen C0015625, MeSH D005199, MONDO:0019391.
Fanconi anemia complementation group C (FANCC). Also called: FANCC-Related Fanconi Anemia; FANCONI PANCYTOPENIA, TYPE 3; FACC; Fanconi anemia, group C. Identifiers: Orphanet 84, MedGen C3468041, MONDO:0009213, OMIM 227645.

Allele frequency attached by ClinVar (database versions not stated): gnomAD exomes below 0.00001 and 0.00001; TOPMed below 0.00001; gnomAD 0.00001; ExAC 0.00002.
gnomAD v4.1: 8 of 1,613,942 alleles (0.0005%); highest among the groups gnomAD compares: South Asian, 0.0055%; no homozygotes.

Submissions (4):

Myriad Genetics, Inc.
Classification: Uncertain significance for Fanconi anemia complementation group C. Last evaluated: 2025-10-22. Review status: criteria provided, single submitter. Criteria: Myriad Autosomal Dominant, Autosomal Recessive and X-Linked Classification Criteria (2023). Collection method: clinical testing. Allele origin: unknown.
Comment: NM_000136.2(FANCC):c.1540C>T(H514Y) is a missense variant classified as a variant of uncertain significance in the context of Fanconi anemia, FANCC-related. H514Y has been observed in a case with relevant disease (PMID: 37474001). Relevant functional assessments of this variant are not available in the literature. H514Y has been observed in referenced population frequency databases. In summary, there is insufficient evidence to classify NM_000136.2(FANCC):c.1540C>T(H514Y) as pathogenic or benign. Please note: this variant was assessed in the context of healthy population screening.

Labcorp Genetics (formerly Invitae), Labcorp
Classification: Uncertain significance for Fanconi anemia. Last evaluated: 2025-07-24. Review status: criteria provided, single submitter. Criteria: Invitae Variant Classification Sherloc (09022015). Collection method: clinical testing. Allele origin: germline.
Comment: This sequence change replaces histidine, which is basic and polar, with tyrosine, which is neutral and polar, at codon 514 of the FANCC protein (p.His514Tyr). This variant is present in population databases (rs749319183, gnomAD 0.006%). This variant has not been reported in the literature in individuals affected with FANCC-related conditions. ClinVar contains an entry for this variant (Variation ID: 819505). Invitae Evidence Modeling of protein sequence and biophysical properties (such as structural, functional, and spatial information, amino acid conservation, physicochemical variation, residue mobility, and thermodynamic stability) indicates that this missense variant is not expected to disrupt FANCC protein function with a negative predictive value of 80%. In summary, the available evidence is currently insufficient to determine the role of this variant in disease. Therefore, it has been classified as a Variant of Uncertain Significance.

Ambry Genetics
Classification: Uncertain significance for Hereditary cancer-predisposing syndrome. Last evaluated: 2025-02-24. Review status: criteria provided, single submitter. Criteria: Ambry Variant Classification Scheme 2023. Collection method: clinical testing. Allele origin: germline.

Natera, Inc.
Classification: Uncertain significance for Fanconi anemia. Last evaluated: 2019-02-14. Review status: no assertion criteria provided. Collection method: clinical testing. Allele origin: germline. Not counted in ClinVar's aggregate classification.

Literature cited by the submitters: PubMed 37474001 (cited by Myriad Genetics, Inc.).